The following is an entry in ClinVar:

ClinVar aggregate classification (germline): Uncertain significance. Review status: criteria provided, multiple submitters, no conflicts (2 of 4 stars). 3 submissions from 3 submitters: Uncertain significance (3). Last evaluated 2025-11-29.

Conditions:
Singleton-Merten syndrome 1 (SGMRT1). Also called: Widened medullary cavities of bone, aortic calcification, abnormal dentition, and muscular weakness; Syndrome of widened medullary cavities of the metacarpals and phalanges, aortic calcification and abnormal dentition. Identifiers: Orphanet 85191, MedGen C4225427, MONDO:0024535, OMIM 182250.
Aicardi-Goutieres syndrome 7 (AGS7). Identifiers: Orphanet 51, MedGen C3888244, MONDO:0014367, OMIM 615846.

Allele frequency attached by ClinVar (database versions not stated): gnomAD exomes below 0.00001; ExAC 0.00001.
gnomAD v4.1: 2 of 1,611,062 alleles (0.00012%); highest among the groups gnomAD compares: Non-Finnish European, 0.00017%; no homozygotes.

Submissions (3):

Labcorp Genetics (formerly Invitae), Labcorp
Classification: Uncertain significance for Aicardi-Goutieres syndrome 7; Singleton-Merten syndrome 1. Last evaluated: 2025-11-29. Review status: criteria provided, single submitter. Criteria: Invitae Variant Classification Sherloc (09022015). Collection method: clinical testing. Allele origin: germline.
Comment: This sequence change replaces alanine, which is neutral and non-polar, with threonine, which is neutral and polar, at codon 857 of the IFIH1 protein (p.Ala857Thr). This variant is present in population databases (rs768238624, gnomAD 0.0009%). This variant has not been reported in the literature in individuals affected with IFIH1-related conditions. ClinVar contains an entry for this variant (Variation ID: 1013858). Invitae Evidence Modeling of protein sequence and biophysical properties (such as structural, functional, and spatial information, amino acid conservation, physicochemical variation, residue mobility, and thermodynamic stability) has been performed for this missense variant. However, the output from this modeling did not meet the statistical confidence thresholds required to predict the impact of this variant on IFIH1 protein function. In summary, the available evidence is currently insufficient to determine the role of this variant in disease. Therefore, it has been classified as a Variant of Uncertain Significance.

Mayo Clinic Laboratories, Mayo Clinic
Classification: Uncertain significance. Last evaluated: 2024-03-21. Review status: criteria provided, single submitter. Criteria: ACMG Guidelines, 2015. Collection method: clinical testing. Allele origin: germline. Observed: 1 variant allele.

Blueprint Genetics
Classification: Uncertain significance. Last evaluated: 2022-01-19. Review status: criteria provided, single submitter. Criteria: ACMG Guidelines, 2015. Collection method: clinical testing. Allele origin: germline.

NM_022168.4(IFIH1):c.2569G>A (p.Ala857Thr)

Gene: IFIH1 (interferon induced with helicase C domain 1; minus strand). Cytogenetic location: 2q24.2.
Variant type: single nucleotide variant.
Coding change: c.2569G>A on transcript NM_022168.4 (MANE Select); coding-DNA position 2569, G replaced by A.
Protein change: p.Ala857Thr; replaces alanine 857 with threonine.
Molecular consequence: missense variant.
Genome position (GRCh38, 1-based): chr2:162,272,273, C>T on the plus strand (G>A on the coding strand, the complement: IFIH1 is on the minus strand). VCF-style: chr2-162272273-C-T. GRCh37 (hg19) VCF-style: chr2-163128783-C-T.
Other names: p.Ala857Thr; short protein forms A857T.
Identifiers: ClinVar variation 1013858 (VCV001013858.10), dbSNP rs768238624, ClinGen allele CA1934145.